The following is an entry in ClinVar:

NC_000008.10:g.(?_70498572)_(70514084_?)dup

Gene: SULF1 (sulfatase 1; plus strand). Cytogenetic location: 8q13.2-13.3.
Variant type: Duplication.
Identifiers: ClinVar variation 1511362 (VCV001511362.5).

ClinVar aggregate classification (germline): Uncertain significance (1 of 4 stars; one submission).

Submission:

Labcorp Genetics (formerly Invitae), Labcorp
Classification: Uncertain significance. Last evaluated: 2022-08-09. Review status: criteria provided, single submitter. Criteria: Invitae Variant Classification Sherloc (09022015). Collection method: clinical testing. Allele origin: germline.
Comment: In summary, the available evidence is currently insufficient to determine the role of this variant in disease. Therefore, it has been classified as a Variant of Uncertain Significance. This variant has not been reported in the literature in individuals affected with SULF1-related conditions. This variant results in a copy number gain of the genomic region encompassing exon(s) 7-10 of the SULF1 gene. While the exact position of this variant cannot be determined from the data, sub-genic copy number gains are generally in tandem (PMID: 25640679). This variant is predicted to be out-of-frame, and may result in an absent or disrupted protein product. However, the current clinical and genetic evidence is not sufficient to establish whether loss-of-function variants in SULF1 cause disease.

Literature cited by the submitters: PubMed 25640679.